The following is an entry in ClinVar:

ClinVar aggregate classification (germline): Uncertain significance (1 of 4 stars; one submission).

Conditions:
Familial thoracic aortic aneurysm and aortic dissection (TAAD). Also called: Thoracic aortic aneurysms and dissections. Identifiers: Orphanet 91387, MedGen C4707243, MONDO:0019625.

Submission:

Labcorp Genetics (formerly Invitae), Labcorp
Classification: Uncertain significance for Familial thoracic aortic aneurysm and aortic dissection. Last evaluated: 2025-05-12. Review status: criteria provided, single submitter. Criteria: Invitae Variant Classification Sherloc (09022015). Collection method: clinical testing. Allele origin: germline.
Comment: This sequence change replaces valine, which is neutral and non-polar, with isoleucine, which is neutral and non-polar, at codon 318 of the MAT2A protein (p.Val318Ile). This variant is not present in population databases (gnomAD no frequency). This variant has not been reported in the literature in individuals affected with MAT2A-related conditions. An algorithm developed to predict the effect of missense changes on protein structure and function (PolyPhen-2) suggests that this variant is likely to be tolerated. In summary, the available evidence is currently insufficient to determine the role of this variant in disease. Therefore, it has been classified as a Variant of Uncertain Significance.

NM_005911.6(MAT2A):c.952G>A (p.Val318Ile)

Genes: GGCX (gamma-glutamyl carboxylase; minus strand), MAT2A (methionine adenosyltransferase 2A; plus strand). Cytogenetic location: 2p11.2.
Variant type: single nucleotide variant.
Coding change: c.952G>A on transcript NM_005911.6 (MANE Select); coding-DNA position 952, G replaced by A.
Protein change: p.Val318Ile; replaces valine 318 with isoleucine.
Molecular consequence: missense variant.
Genome position (GRCh38, 1-based): chr2:85,542,901, G>A. VCF-style: chr2-85542901-G-A. GRCh37 (hg19) VCF-style: chr2-85770024-G-A.
Other names: short protein forms V318I.
Identifiers: ClinVar variation 4712423 (VCV004712423.1).
Genomic context (GRCh38, chr2:85,542,901, plus strand): 5'-ATTATACAAGTATATGGGTCTTTGCAATCACTGATTCTTACGACATTTGAATCCTTTTAG[G>A]TCTCTTATGCTATTGGAGTTTCTCATCCATTATCTATCTCCATTTTCCATTATGGTACCT-3'
Protein context (NP_005902.1, residues 308-328): GGLCRRVLVQ[Val318Ile]SYAIGVSHPL